The following is an entry in ClinVar:

NM_004260.4(RECQL4):c.1159G>T (p.Gly387Trp)

Gene: RECQL4 (RecQ like helicase 4; minus strand). Cytogenetic location: 8q24.3.
Variant type: single nucleotide variant.
Coding change: c.1159G>T on transcript NM_004260.4 (MANE Select); coding-DNA position 1159, G replaced by T.
Protein change: p.Gly387Trp; replaces glycine 387 with tryptophan.
Molecular consequence: missense variant. On other transcripts: non-coding transcript variant (3), intron variant (1).
Genome position (GRCh38, 1-based): chr8:144,515,863, C>A on the plus strand (G>T on the coding strand, the complement: RECQL4 is on the minus strand). VCF-style: chr8-144515863-C-A. GRCh37 (hg19) VCF-style: chr8-145741247-C-A.
Other names: c.88G>T, p.Gly30Trp (NM_001413021.1, NM_001413022.1, NM_001413023.1 and 8 more transcripts); c.1030G>T, p.Gly344Trp (NM_001413025.1); c.26G>T, p.Arg9Met (NM_001413027.1, NM_001413030.1, NM_001413031.1 and 2 more transcripts); c.808G>T, p.Gly270Trp (NM_001413029.1); c.1159G>T, p.Gly387Trp (NM_001413033.1, NM_001413036.1, NM_001413039.1 and 2 more transcripts); c.-210+125G>T (NM_001413043.1); c.1063G>T, p.Gly355Trp (NM_001413017.1, NM_001413020.1); short protein forms R9M, G270W, G344W, G387W, G30W, G355W.
Identifiers: ClinVar variation 5028111 (VCV005028111.1).

ClinVar aggregate classification (germline): Uncertain significance (1 of 4 stars; one submission).

Conditions:
Inborn genetic diseases. Identifiers: MedGen C0950123, MeSH D030342.

Submission:

Ambry Genetics
Classification: Uncertain significance for Inborn genetic diseases. Last evaluated: 2026-08-25. Review status: criteria provided, single submitter. Criteria: Ambry Variant Classification Scheme 2023. Collection method: clinical testing. Allele origin: germline.
Comment: The p.G387W variant (also known as c.1159G>T), located in coding exon 6 of the RECQL4 gene, results from a G to T substitution at nucleotide position 1159. The glycine at codon 387 is replaced by tryptophan, an amino acid with highly dissimilar properties. This amino acid position is conserved. In addition, this alteration is predicted to be tolerated by in silico analysis. Based on the available evidence, the clinical significance of this variant remains unclear.